The following is an entry in ClinVar:

NM_018387.5(STRBP):c.1748del (p.Asn583fs)

Gene: STRBP (spermatid perinuclear RNA binding protein; minus strand). Cytogenetic location: 9q33.3.
Variant type: Deletion.
Coding change: c.1748del on transcript NM_018387.5 (MANE Select); coding-DNA position 1748, one base deleted (A; older notation c.1748delA).
Protein change: p.Asn583fs; shifts the reading frame from asparagine 583.
Molecular consequence: frameshift variant. On other transcripts: non-coding transcript variant (1).
Genome position (GRCh38, 1-based): chr9:123,136,066, T deleted on the plus strand (A on the coding strand, the reverse complement: STRBP is on the minus strand); the first of 2 consecutive T bases (chr9:123,136,066-123,136,067); deleting either gives the same sequence. VCF-style (leftmost placement, unchanged base first): chr9-123136065-AT-A. GRCh37 (hg19) VCF-style: chr9-125898344-AT-A.
Other names: c.1748del, p.Asn583fs (NM_001376106.1, NM_001376107.1, NM_001376109.1); c.1706del, p.Asn569fs (NM_001171137.2); short protein forms N569fs, N583fs.
Identifiers: ClinVar variation 3390194 (VCV003390194.14).

ClinVar aggregate classification (germline): Uncertain significance (1 of 4 stars; one submission).

Submission:

CeGaT Center for Human Genetics Tuebingen
Classification: Uncertain significance. Last evaluated: 2024-11-01. Review status: criteria provided, single submitter. Criteria: CeGaT Center For Human Genetics Tuebingen Variant Classification Criteria Version 2. Collection method: clinical testing. Allele origin: germline. Affected: yes. Observed: 1 variant allele.
Comment: STRBP: PM2